The following is an entry in ClinVar:

ClinVar aggregate classification (germline): Uncertain significance. Review status: criteria provided, multiple submitters, no conflicts (2 of 4 stars). 3 submissions from 3 submitters: Uncertain significance (3). Last evaluated 2021-12-20.

Conditions:
Donnai-Barrow syndrome. Also called: DBS/FOAR SYNDROME; FACIOOCULOACOUSTICORENAL SYNDROME. Identifiers: Orphanet 2143, MedGen C1857277, MONDO:0009104, OMIM 222448.

Allele frequency attached by ClinVar (database versions not stated): gnomAD 0.00001; gnomAD exomes 0.00001 and 0.00003; ExAC 0.00004; 1000 Genomes Project 30x 0.00016; 1000 Genomes Project 0.00020.
gnomAD v4.1: 22 of 1,613,526 alleles (0.0014%); highest among the groups gnomAD compares: South Asian, 0.024%; no homozygotes.

Submissions (3):

Labcorp Genetics (formerly Invitae), Labcorp
Classification: Uncertain significance. Last evaluated: 2021-12-20. Review status: criteria provided, single submitter. Criteria: Invitae Variant Classification Sherloc (09022015). Collection method: clinical testing. Allele origin: germline.
Comment: This sequence change replaces threonine, which is neutral and polar, with alanine, which is neutral and non-polar, at codon 660 of the LRP2 protein (p.Thr660Ala). This variant is present in population databases (rs556737893, gnomAD 0.03%). This variant has not been reported in the literature in individuals affected with LRP2-related conditions. ClinVar contains an entry for this variant (Variation ID: 1184317). Algorithms developed to predict the effect of missense changes on protein structure and function (SIFT, PolyPhen-2, Align-GVGD) all suggest that this variant is likely to be tolerated. In summary, the available evidence is currently insufficient to determine the role of this variant in disease. Therefore, it has been classified as a Variant of Uncertain Significance.

New York Genome Center
Classification: Uncertain significance for Donnai-Barrow syndrome. Last evaluated: 2020-06-26. Review status: criteria provided, single submitter. Criteria: NYGC Assertion Criteria 2020. Collection method: clinical testing. Allele origin: inherited. Observed: 1 heterozygote. Study: CSER-NYCKidSeq.

Revvity Omics, Revvity
Classification: Uncertain significance for Donnai-Barrow syndrome. Last evaluated: 2019-08-23. Review status: criteria provided, single submitter. Criteria: ACMG Guidelines, 2015. Collection method: clinical testing. Allele origin: germline.

NM_004525.3(LRP2):c.1978A>G (p.Thr660Ala)

Gene: LRP2 (LDL receptor related protein 2; minus strand). Cytogenetic location: 2q31.1.
Variant type: single nucleotide variant.
Coding change: c.1978A>G on transcript NM_004525.3 (MANE Select); coding-DNA position 1978, A replaced by G.
Protein change: p.Thr660Ala; replaces threonine 660 with alanine.
Molecular consequence: missense variant.
Genome position (GRCh38, 1-based): chr2:169,273,065, T>C on the plus strand (A>G on the coding strand, the complement: LRP2 is on the minus strand). VCF-style: chr2-169273065-T-C. GRCh37 (hg19) VCF-style: chr2-170129575-T-C.
Other names: short protein forms T660A.
Identifiers: ClinVar variation 1184317 (VCV001184317.6), dbSNP rs556737893, ClinGen allele CA1955411.
Genomic context (GRCh38, chr2:169,273,065, plus strand): 5'-TTCTGTGGCTGAGGACACAGACCTGCTCACAGCCCCCATTGTTATCTTTACACGGATTGG[T>C]AGCTGGAAGGAAAAATGCACAGGGTTAAATTGCAATTAGAAATGTGTAATTATCCAAGAC-3'
Protein context (NP_004516.2, residues 650-670): VYHSLRQPYA[Thr660Ala]NPCKDNNGGC